The following is an entry in ClinVar:

ClinVar aggregate classification (germline): Uncertain significance (1 of 4 stars; one submission).

Submission:

Labcorp Genetics (formerly Invitae), Labcorp
Classification: Uncertain significance. Last evaluated: 2023-03-31. Review status: criteria provided, single submitter. Criteria: Invitae Variant Classification Sherloc (09022015). Collection method: clinical testing. Allele origin: germline.
Comment: This sequence change replaces threonine, which is neutral and polar, with methionine, which is neutral and non-polar, at codon 67 of the PPP2R5D protein (p.Thr67Met). This variant is not present in population databases (gnomAD no frequency). This variant has not been reported in the literature in individuals affected with PPP2R5D-related conditions. An algorithm developed to predict the effect of missense changes on protein structure and function (PolyPhen-2) suggests that this variant is likely to be disruptive. In summary, the available evidence is currently insufficient to determine the role of this variant in disease. Therefore, it has been classified as a Variant of Uncertain Significance.

NM_006245.4(PPP2R5D):c.200C>T (p.Thr67Met)

Gene: PPP2R5D (protein phosphatase 2 regulatory subunit B'delta; plus strand). Cytogenetic location: 6p21.1.
Variant type: single nucleotide variant.
Coding change: c.200C>T on transcript NM_006245.4 (MANE Select); coding-DNA position 200, C replaced by T.
Protein change: p.Thr67Met; replaces threonine 67 with methionine.
Molecular consequence: missense variant. On other transcripts: 5 prime UTR variant (1), intron variant (1).
Genome position (GRCh38, 1-based): chr6:43,006,557, C>T. VCF-style: chr6-43006557-C-T. GRCh37 (hg19) VCF-style: chr6-42974295-C-T.
Other names: c.-254C>T (NM_001270476.2); c.200C>T, p.Thr67Met (NM_180976.3); c.28-377C>T (NM_180977.3); short protein forms T67M.
Identifiers: ClinVar variation 2825042 (VCV002825042.3), dbSNP rs2532471813, ClinGen allele CA364179688.